The following is an entry in ClinVar:

NM_001292063.2(OTOG):c.4377del (p.Thr1461fs)

Gene: OTOG (otogelin; plus strand). Cytogenetic location: 11p15.1.
Variant type: Deletion.
Coding change: c.4377del on transcript NM_001292063.2 (MANE Select); coding-DNA position 4377, one base deleted (T; older notation c.4377delT).
Protein change: p.Thr1461fs; shifts the reading frame from threonine 1461.
Molecular consequence: frameshift variant.
Genome position (GRCh38, 1-based): chr11:17,609,677, T deleted; the last of 2 consecutive T bases (chr11:17,609,676-17,609,677); deleting either gives the same sequence. VCF-style (leftmost placement, unchanged base first): chr11-17609675-GT-G. GRCh37 (hg19) VCF-style: chr11-17631222-GT-G.
Other names: c.4413del, p.Thr1473fs (NM_001277269.2); short protein forms T1461fs, T1473fs.
Identifiers: ClinVar variation 4687993 (VCV004687993.1).

ClinVar aggregate classification (germline): Likely pathogenic (1 of 4 stars; one submission).

Conditions:
Autosomal recessive nonsyndromic hearing loss 18B. Also called: Deafness, autosomal recessive 18b. Identifiers: Orphanet 90636, MedGen C3554163, MONDO:0013985, OMIM 614945.

Submission:

Human Genetics Bochum, Ruhr University Bochum
Classification: Likely pathogenic for Autosomal recessive nonsyndromic hearing loss 18B. Last evaluated: 2024-04-26. Review status: criteria provided, single submitter. Criteria: ACMG Guidelines, 2015. Collection method: clinical testing. Allele origin: germline. Affected: yes.
Comment: was identified together with OTOG:c.7370del; ACMG criteria used to clasify this variant: PVS1, PM2_SUP, PM3_sup